The following is an entry in ClinVar:

NM_182699.4(DDX53):c.1539T>G (p.Phe513Leu)

Genes: DDX53 (DEAD-box helicase 53; plus strand), PTCHD1-AS (PTCHD1 and PHEX antisense RNA; minus strand). Cytogenetic location: Xp22.11.
Variant type: single nucleotide variant.
Coding change: c.1539T>G on transcript NM_182699.4 (MANE Select); coding-DNA position 1539, T replaced by G.
Protein change: p.Phe513Leu; replaces phenylalanine 513 with leucine.
Molecular consequence: missense variant.
Genome position (GRCh38, 1-based): chrX:23,001,596, T>G. VCF-style: chrX-23001596-T-G. GRCh37 (hg19) VCF-style: chrX-23019713-T-G.
Other names: short protein forms F513L.
Identifiers: ClinVar variation 4076549 (VCV004076549.1).

ClinVar aggregate classification (germline): Uncertain significance (1 of 4 stars; one submission).

Submission:

GeneDx
Classification: Uncertain significance. Last evaluated: 2025-02-25. Review status: criteria provided, single submitter. Criteria: GeneDx Variant Classification Process June 2021. Collection method: clinical testing. Allele origin: germline. Affected: yes.
Comment: In silico analysis supports that this missense variant has a deleterious effect on protein structure/function; Has not been previously published as pathogenic or benign to our knowledge